The following is an entry in ClinVar:

ClinVar aggregate classification (germline): Pathogenic. Review status: criteria provided, multiple submitters, no conflicts (2 of 4 stars). 11 submissions from 9 submitters: Pathogenic (10). 1 of the submissions does not count toward it. Last evaluated 2026-04-09.

Conditions:
Hereditary spastic paraplegia 11. Also called: SPASTIC PARAPLEGIA, AUTOSOMAL RECESSIVE, COMPLICATED, WITH THIN CORPUS CALLOSUM; SPASTIC PARAPLEGIA, AUTOSOMAL RECESSIVE, WITH MENTAL IMPAIRMENT AND THIN CORPUS CALLOSUM; Spastic paraplegia, mental retardation and thin corpus callosum; Spastic Paraplegia 11; Nakamura Osame syndrome; Autosomal recessive hereditary spastic paraplegia, mental impairment, and thin corpus callosum. Identifiers: Orphanet 2822, MedGen C1858479, MONDO:0011445, OMIM 604360.
Charcot-Marie-Tooth disease axonal type 2X. Also called: CHARCOT-MARIE-TOOTH DISEASE, AXONAL, AUTOSOMAL RECESSIVE, TYPE 2X; CHARCOT-MARIE-TOOTH NEUROPATHY, TYPE 2X. Identifiers: Orphanet 466775, MedGen C5569024, MONDO:0014726, OMIM 616668.
Amyotrophic lateral sclerosis type 5 (ALS5). Also called: AMYOTROPHIC LATERAL SCLEROSIS 5, JUVENILE. Identifiers: Orphanet 300605, MedGen C1865864, MONDO:0011196, OMIM 602099.
SPG11-related disorder. Also called: SPG11-related condition.
Hereditary spastic paraplegia. Also called: Familial spastic paraparesis. Identifiers: Orphanet 685, MedGen C0037773, MONDO:0019064. Disease mechanism: loss of function.

Allele frequency attached by ClinVar (database versions not stated): ExAC 0.00001; TOPMed 0.00003; gnomAD exomes 0.00004 and 0.00007; gnomAD 0.00005; ESP Exome Variant Server 0.00015.
gnomAD v4.1: 110 of 1,613,636 alleles (0.0068%); highest among the groups gnomAD compares: Non-Finnish European, 0.0092%; no homozygotes.

Submissions (11):

PreventionGenetics, part of Exact Sciences
Classification: Pathogenic for SPG11-related condition. Last evaluated: 2026-04-09. Review status: criteria provided, single submitter. Criteria: ACMG Guidelines, 2015. Collection method: clinical testing. Allele origin: germline.
Comment: The SPG11 c.1085G>A variant is predicted to result in premature protein termination (p.Trp362*). This variant has been reported in multiple individuals with autosomal recessive spastic paraplegia or cerebral palsy (de Bot et al. 2013. PubMed ID: 23443022; Table E1, Moreno-De-Luca et al. 2021. PubMed ID: 33528536). This variant is reported in 0.0089% of alleles in individuals of European (non-Finnish) descent in gnomAD. Nonsense variants in SPG11 are expected to be pathogenic. This variant is interpreted as pathogenic.

Labcorp Genetics (formerly Invitae), Labcorp
Classification: Pathogenic for Hereditary spastic paraplegia 11. Last evaluated: 2026-01-27. Review status: criteria provided, single submitter. Criteria: Invitae Variant Classification Sherloc (09022015). Collection method: clinical testing. Allele origin: germline.
Comment: This sequence change creates a premature translational stop signal (p.Trp362*) in the SPG11 gene. It is expected to result in an absent or disrupted protein product. Loss-of-function variants in SPG11 are known to be pathogenic (PMID: 19105190, 20110243, 22154821, 26556829). This variant is present in population databases (rs140385286, gnomAD 0.009%). This premature translational stop signal has been observed in individual(s) with hereditary spastic paraplegia type 11 (PMID: 23443022). ClinVar contains an entry for this variant (Variation ID: 488833). For these reasons, this variant has been classified as Pathogenic.

GeneDx
Classification: Pathogenic. Last evaluated: 2025-03-03. Review status: criteria provided, single submitter. Criteria: GeneDx Variant Classification Process June 2021. Collection method: clinical testing. Allele origin: germline. Affected: yes.
Comment: Reported in patients with hereditary spastic paraplegia in published literature (PMID: 23443022); Nonsense variant predicted to result in protein truncation or nonsense mediated decay in a gene for which loss of function is a known mechanism of disease; Not observed at significant frequency in large population cohorts (gnomAD); This variant is associated with the following publications: (PMID: 34758253, 28492532, 23443022, 33528536)

Mayo Clinic Laboratories, Mayo Clinic
Classification: Pathogenic. Last evaluated: 2024-11-09. Review status: criteria provided, single submitter. Criteria: ACMG Guidelines, 2015. Collection method: clinical testing. Allele origin: germline. Observed: 2 variant alleles.
Comment: PM2_supporting, PM3, PVS1

Athena Diagnostics
Classification: Pathogenic. Last evaluated: 2024-09-16. Review status: criteria provided, single submitter. Criteria: Athena Diagnostics Criteria. Collection method: clinical testing. Allele origin: unknown.
Comment: This variant is expected to result in the loss of a functional protein. The frequency of this variant in the general population is consistent with pathogenicity. This variant has been identified in at least one individual with spastic paraplegia.

Genome Diagnostics Laboratory, The Hospital for Sick Children
Classification: Pathogenic for Hereditary spastic paraplegia. Last evaluated: 2020-03-01. Review status: criteria provided, single submitter. Criteria: ACMG Guidelines, 2015. Collection method: clinical testing. Allele origin: germline. Affected: yes.

Fulgent Genetics
Classification: Pathogenic for Amyotrophic lateral sclerosis type 5; Hereditary spastic paraplegia 11; Charcot-Marie-Tooth disease axonal type 2X. Last evaluated: 2018-10-31. Review status: criteria provided, single submitter. Criteria: ACMG Guidelines, 2015. Collection method: clinical testing. Allele origin: unknown.

Genome-Nilou Lab
Classification: Pathogenic for Amyotrophic lateral sclerosis type 5. Review status: criteria provided, single submitter. Criteria: ACMG Guidelines, 2015. Collection method: clinical testing. Allele origin: germline.

Genome-Nilou Lab
Classification: Pathogenic for Charcot-Marie-Tooth disease axonal type 2X. Review status: criteria provided, single submitter. Criteria: ACMG Guidelines, 2015. Collection method: clinical testing. Allele origin: germline.

Genome-Nilou Lab
Classification: Pathogenic for Hereditary spastic paraplegia 11. Review status: criteria provided, single submitter. Criteria: ACMG Guidelines, 2015. Collection method: clinical testing. Allele origin: germline.

Genomics England Pilot Project, Genomics England
Classification: Likely pathogenic for Hereditary spastic paraplegia 11. Review status: no assertion criteria provided. Criteria: ACGS Guidelines, 2016. Collection method: clinical testing. Allele origin: germline. Affected: yes. Not counted in ClinVar's aggregate classification.

Literature cited by the submitters: PubMed 19105190 (cited by Labcorp Genetics (formerly Invitae), Labcorp); PubMed 20110243 (cited by Labcorp Genetics (formerly Invitae), Labcorp); PubMed 22154821 (cited by Labcorp Genetics (formerly Invitae), Labcorp); PubMed 26556829 (cited by Labcorp Genetics (formerly Invitae), Labcorp); PubMed 23443022 (cited by 3 submitters); PubMed 33528536 (cited by Mayo Clinic Laboratories, Mayo Clinic).

NM_025137.4(SPG11):c.1085G>A (p.Trp362Ter)

Gene: SPG11 (SPG11 vesicle trafficking associated, spatacsin; minus strand). Cytogenetic location: 15q21.1.
Variant type: single nucleotide variant.
Coding change: c.1085G>A on transcript NM_025137.4 (MANE Select); coding-DNA position 1085, G replaced by A.
Protein change: p.Trp362Ter; replaces tryptophan 362 with a stop codon.
Molecular consequence: nonsense.
Genome position (GRCh38, 1-based): chr15:44,651,862, C>T on the plus strand (G>A on the coding strand, the complement: SPG11 is on the minus strand). VCF-style: chr15-44651862-C-T. GRCh37 (hg19) VCF-style: chr15-44944060-C-T.
Other names: p.Trp362*; c.1085G>A, p.Trp362Ter (NM_001160227.2); short protein forms W362*.
Identifiers: ClinVar variation 488833 (VCV000488833.26), dbSNP rs140385286, ClinGen allele CA7535624.